The following is an entry in ClinVar:

ClinVar aggregate classification (germline): Uncertain significance (1 of 4 stars; one submission).

Allele frequency attached by ClinVar (database versions not stated): gnomAD exomes below 0.00001.
gnomAD v4.1: 3 of 1,611,880 alleles (0.00019%); highest among the groups gnomAD compares: Non-Finnish European, 0.00025%; no homozygotes.

Submission:

Labcorp Genetics (formerly Invitae), Labcorp
Classification: Uncertain significance. Last evaluated: 2024-10-24. Review status: criteria provided, single submitter. Criteria: Invitae Variant Classification Sherloc (09022015). Collection method: clinical testing. Allele origin: germline.
Comment: This sequence change replaces aspartic acid, which is acidic and polar, with asparagine, which is neutral and polar, at codon 373 of the GRIN2D protein (p.Asp373Asn). This variant is not present in population databases (gnomAD no frequency). This variant has not been reported in the literature in individuals affected with GRIN2D-related conditions. ClinVar contains an entry for this variant (Variation ID: 1507357). Invitae Evidence Modeling of protein sequence and biophysical properties (such as structural, functional, and spatial information, amino acid conservation, physicochemical variation, residue mobility, and thermodynamic stability) indicates that this missense variant is not expected to disrupt GRIN2D protein function with a negative predictive value of 80%. In summary, the available evidence is currently insufficient to determine the role of this variant in disease. Therefore, it has been classified as a Variant of Uncertain Significance.

NM_000836.4(GRIN2D):c.1117G>A (p.Asp373Asn)

Gene: GRIN2D (glutamate ionotropic receptor NMDA type subunit 2D; plus strand). Cytogenetic location: 19q13.33.
Variant type: single nucleotide variant.
Coding change: c.1117G>A on transcript NM_000836.4 (MANE Select); coding-DNA position 1117, G replaced by A.
Protein change: p.Asp373Asn; replaces aspartic acid 373 with asparagine.
Molecular consequence: missense variant.
Genome position (GRCh38, 1-based): chr19:48,414,022, G>A. VCF-style: chr19-48414022-G-A. GRCh37 (hg19) VCF-style: chr19-48917279-G-A.
Other names: short protein forms D373N.
Identifiers: ClinVar variation 1507357 (VCV001507357.8), dbSNP rs2147450573, ClinGen allele CA406694862.